The following is an entry in ClinVar:

ClinVar aggregate classification (germline): Uncertain significance (1 of 4 stars; one submission).

Conditions:
Long QT syndrome (LQTS). Identifiers: MedGen C0023976, MeSH D008133, MONDO:0002442. Disease mechanism: loss of function. Inheritance: Various modes of inheritance.

Submission:

Labcorp Genetics (formerly Invitae), Labcorp
Classification: Uncertain significance for Long QT syndrome. Last evaluated: 2025-05-29. Review status: criteria provided, single submitter. Criteria: Invitae Variant Classification Sherloc (09022015). Collection method: clinical testing. Allele origin: germline.
Comment: This sequence change replaces lysine, which is basic and polar, with methionine, which is neutral and non-polar, at codon 24 of the KCNJ5 protein (p.Lys24Met). This variant is not present in population databases (gnomAD no frequency). This variant has not been reported in the literature in individuals affected with KCNJ5-related conditions. An algorithm developed to predict the effect of missense changes on protein structure and function (PolyPhen-2) suggests that this variant is likely to be disruptive. In summary, the available evidence is currently insufficient to determine the role of this variant in disease. Therefore, it has been classified as a Variant of Uncertain Significance.

NM_000890.5(KCNJ5):c.71A>T (p.Lys24Met)

Gene: KCNJ5 (potassium inwardly rectifying channel subfamily J member 5; plus strand). Cytogenetic location: 11q24.3.
Variant type: single nucleotide variant.
Coding change: c.71A>T on transcript NM_000890.5 (MANE Select); coding-DNA position 71, A replaced by T.
Protein change: p.Lys24Met; replaces lysine 24 with methionine.
Molecular consequence: missense variant.
Genome position (GRCh38, 1-based): chr11:128,911,344, A>T. VCF-style: chr11-128911344-A-T. GRCh37 (hg19) VCF-style: chr11-128781239-A-T.
Other names: c.71A>T, p.Lys24Met (NM_001354169.2); short protein forms K24M.
Identifiers: ClinVar variation 4719633 (VCV004719633.1).